The following is an entry in ClinVar:

ClinVar aggregate classification (germline): Benign/Likely benign. Review status: criteria provided, multiple submitters, no conflicts (2 of 4 stars). 5 submissions from 5 submitters: Benign (1); Likely benign (4). Last evaluated 2026-01-27.

Conditions:
Congenital disorder of glycosylation, type Ii. Also called: CDG Ii; ALG2-CDG; ALG2-congenital disorder of glycosylation. Identifiers: Orphanet 79326, MedGen C1842836, MONDO:0011933, OMIM 607906.
Congenital myasthenic syndrome 14. Also called: Myasthenic syndrome, congenital, 14, with tubular aggregates. Identifiers: Orphanet 353327, Orphanet 590, MedGen C4015597, MONDO:0014543, OMIM 616228.

Allele frequency attached by ClinVar (database versions not stated): gnomAD exomes 0.00223 and 0.00310; TOPMed 0.00152; ExAC 0.00238; gnomAD 0.00275 and 0.00260; 1000 Genomes Project 0.00040; 1000 Genomes Project 30x 0.00031; ESP Exome Variant Server 0.00200.
gnomAD v4.1: 4,890 of 1,600,674 alleles (0.31%); highest among the groups gnomAD compares: Non-Finnish European, 0.33%; 13 homozygotes.

Submissions (5):

Labcorp Genetics (formerly Invitae), Labcorp
Classification: Benign for Congenital disorder of glycosylation, type Ii; Congenital myasthenic syndrome 14. Last evaluated: 2026-01-27. Review status: criteria provided, single submitter. Criteria: Invitae Variant Classification Sherloc (09022015). Collection method: clinical testing. Allele origin: germline.

Blueprint Genetics
Classification: Likely benign. Last evaluated: 2024-11-06. Review status: criteria provided, single submitter. Criteria: ACMG Guidelines, 2015. Collection method: clinical testing. Allele origin: germline.

Fulgent Genetics
Classification: Likely benign for Congenital disorder of glycosylation, type Ii; Congenital myasthenic syndrome 14. Last evaluated: 2022-05-19. Review status: criteria provided, single submitter. Criteria: ACMG Guidelines, 2015. Collection method: clinical testing. Allele origin: unknown.

GeneDx
Classification: Likely benign. Last evaluated: 2018-02-01. Review status: criteria provided, single submitter. Criteria: GeneDx Variant Classification (06012015). Collection method: clinical testing. Allele origin: germline. Affected: yes.
Comment: This variant is considered likely benign or benign based on one or more of the following criteria: it is a conservative change, it occurs at a poorly conserved position in the protein, it is predicted to be benign by multiple in silico algorithms, and/or has population frequency not consistent with disease.

Breakthrough Genomics
Classification: Likely benign. Review status: criteria provided, single submitter. Criteria: ACMG Guidelines, 2015. Collection method: not provided. Allele origin: germline. Inheritance: Autosomal recessive inheritance. Affected: yes.

NM_033087.4(ALG2):c.349-17A>G

Gene: ALG2 (ALG2 alpha-1,3/1,6-mannosyltransferase; minus strand). Cytogenetic location: 9q22.33.
Variant type: single nucleotide variant.
Coding change: c.349-17A>G on transcript NM_033087.4 (MANE Select); 17 bases into the intron before coding-DNA position 349, A replaced by G.
Molecular consequence: intron variant.
Genome position (GRCh38, 1-based): chr9:99,218,853, T>C on the plus strand (A>G on the coding strand, the complement: ALG2 is on the minus strand). VCF-style: chr9-99218853-T-C. GRCh37 (hg19) VCF-style: chr9-101981135-T-C.
Identifiers: ClinVar variation 381447 (VCV000381447.13), dbSNP rs193069827, ClinGen allele CA5156342.